The following is an entry in ClinVar:

NM_000465.4(BARD1):c.1838C>G (p.Ala613Gly)

Gene: BARD1 (BRCA1 associated RING domain 1; minus strand). Cytogenetic location: 2q35.
Variant type: single nucleotide variant.
Coding change: c.1838C>G on transcript NM_000465.4 (MANE Select); coding-DNA position 1838, C replaced by G.
Protein change: p.Ala613Gly; replaces alanine 613 with glycine.
Molecular consequence: missense variant. On other transcripts: non-coding transcript variant (3), intron variant (1).
Genome position (GRCh38, 1-based): chr2:214,745,132, G>C on the plus strand (C>G on the coding strand, the complement: BARD1 is on the minus strand). VCF-style: chr2-214745132-G-C. GRCh37 (hg19) VCF-style: chr2-215609856-G-C.
Other names: c.1781C>G, p.Ala594Gly (NM_001282543.2); c.485C>G, p.Ala162Gly (NM_001282545.2); c.428C>G, p.Ala143Gly (NM_001282548.2); c.365-14624C>G (NM_001282549.2); c.1838C>G (NM_000465.2); short protein forms A143G, A613G, A162G, A594G.
Identifiers: ClinVar variation 2907832 (VCV002907832.4), dbSNP rs146629794, ClinGen allele CA350452256.

ClinVar aggregate classification (germline): Uncertain significance. Review status: criteria provided, multiple submitters, no conflicts (2 of 4 stars). 2 submissions from 2 submitters: Uncertain significance (2). Last evaluated 2025-05-08.

Conditions:
Familial cancer of breast. Also called: hereditary breast carcinoma; Hereditary breast cancer; BREAST CANCER, FAMILIAL. Identifiers: Orphanet 227535, MedGen C0346153, MONDO:0016419, OMIM 114480. Disease mechanism: loss of function.
Hereditary cancer-predisposing syndrome. Also called: Hereditary Cancer Syndrome; Tumor predisposition; Hereditary neoplastic syndrome; Neoplastic Syndromes, Hereditary. Identifiers: Orphanet 140162, MedGen C0027672, MeSH D009386, MONDO:0015356.

Submissions (2):

Ambry Genetics
Classification: Uncertain significance for Hereditary cancer-predisposing syndrome. Last evaluated: 2025-05-08. Review status: criteria provided, single submitter. Criteria: Ambry Variant Classification Scheme 2023. Collection method: clinical testing. Allele origin: germline.
Comment: The p.A613G variant (also known as c.1838C>G), located in coding exon 9 of the BARD1 gene, results from a C to G substitution at nucleotide position 1838. The alanine at codon 613 is replaced by glycine, an amino acid with similar properties. This amino acid position is conserved. In addition, this alteration is predicted to be tolerated by in silico analysis. Based on the available evidence, the clinical significance of this variant remains unclear.

Labcorp Genetics (formerly Invitae), Labcorp
Classification: Uncertain significance for Familial cancer of breast. Last evaluated: 2023-12-02. Review status: criteria provided, single submitter. Criteria: Invitae Variant Classification Sherloc (09022015). Collection method: clinical testing. Allele origin: germline.
Comment: This sequence change replaces alanine, which is neutral and non-polar, with glycine, which is neutral and non-polar, at codon 613 of the BARD1 protein (p.Ala613Gly). This variant is not present in population databases (gnomAD no frequency). This variant has not been reported in the literature in individuals affected with BARD1-related conditions. An algorithm developed to predict the effect of missense changes on protein structure and function (PolyPhen-2) suggests that this variant is likely to be tolerated. In summary, the available evidence is currently insufficient to determine the role of this variant in disease. Therefore, it has been classified as a Variant of Uncertain Significance.